The following is an entry in ClinVar:

NM_005591.4(MRE11):c.1889A>C (p.Gln630Pro)

Gene: MRE11 (MRE11 double strand break repair nuclease; minus strand). Cytogenetic location: 11q21.
Variant type: single nucleotide variant.
Coding change: c.1889A>C on transcript NM_005591.4 (MANE Select); coding-DNA position 1889, A replaced by C.
Protein change: p.Gln630Pro; replaces glutamine 630 with proline.
Molecular consequence: missense variant.
Genome position (GRCh38, 1-based): chr11:94,437,214, T>G on the plus strand (A>C on the coding strand, the complement: MRE11 is on the minus strand). VCF-style: chr11-94437214-T-G. GRCh37 (hg19) VCF-style: chr11-94170380-T-G.
Other names: c.1886A>C, p.Gln629Pro (NM_001330347.2); c.1805A>C, p.Gln602Pro (NM_005590.4); short protein forms Q602P, Q629P, Q630P.
Identifiers: ClinVar variation 1313602 (VCV001313602.5), dbSNP rs2134840552, ClinGen allele CA382374803.

ClinVar aggregate classification (germline): Uncertain significance. Review status: criteria provided, multiple submitters, no conflicts (2 of 4 stars). 2 submissions from 2 submitters: Uncertain significance (2). Last evaluated 2025-09-16.

Conditions:
Hereditary cancer-predisposing syndrome. Also called: Hereditary neoplastic syndrome; Neoplastic Syndromes, Hereditary; Tumor predisposition; Hereditary Cancer Syndrome. Identifiers: Orphanet 140162, MedGen C0027672, MeSH D009386, MONDO:0015356.

Submissions (2):

Ambry Genetics
Classification: Uncertain significance for Hereditary cancer-predisposing syndrome. Last evaluated: 2025-09-16. Review status: criteria provided, single submitter. Criteria: Ambry Variant Classification Scheme 2023. Collection method: clinical testing. Allele origin: germline.
Comment: The p.Q630P variant (also known as c.1889A>C), located in coding exon 16 of the MRE11A gene, results from an A to C substitution at nucleotide position 1889. The glutamine at codon 630 is replaced by proline, an amino acid with similar properties. This amino acid position is conserved. In addition, the in silico prediction for this alteration is inconclusive. Since supporting evidence is limited at this time, the clinical significance of this alteration remains unclear.

GeneDx
Classification: Uncertain significance. Last evaluated: 2020-10-27. Review status: criteria provided, single submitter. Criteria: GeneDx Variant Classification Process June 2021. Collection method: clinical testing. Allele origin: germline. Affected: yes.
Comment: Not observed in large population cohorts (Lek et al., 2016); In silico analysis supports that this missense variant does not alter protein structure/function; Has not been previously published as pathogenic or benign to our knowledge